The following is an entry in ClinVar:

NM_004369.4(COL6A3):c.3331G>A (p.Ala1111Thr)

Gene: COL6A3 (collagen type VI alpha 3 chain; minus strand). Cytogenetic location: 2q37.3.
Variant type: single nucleotide variant.
Coding change: c.3331G>A on transcript NM_004369.4 (MANE Select); coding-DNA position 3331, G replaced by A.
Protein change: p.Ala1111Thr; replaces alanine 1111 with threonine.
Molecular consequence: missense variant.
Genome position (GRCh38, 1-based): chr2:237,374,760, C>T on the plus strand (G>A on the coding strand, the complement: COL6A3 is on the minus strand). VCF-style: chr2-237374760-C-T. GRCh37 (hg19) VCF-style: chr2-238283403-C-T.
Other names: c.2110G>A, p.Ala704Thr (NM_057164.5); c.2713G>A, p.Ala905Thr (NM_057165.5, NM_057167.4); c.1510G>A, p.Ala504Thr (NM_057166.5); short protein forms A1111T, A905T, A504T, A704T.
Identifiers: ClinVar variation 285984 (VCV000285984.20), dbSNP rs151021451, ClinGen allele CA2189184.
Genomic context (GRCh38, chr2:237,374,760, plus strand): 5'-CTTCTGTTATCCTGCTTCCCGCAGAGCTGACCAGGATGTTCCTCAGGACAAACTCCAGGG[C>T]GGCCCCGGTGTTGGGGGTCGGCCCTCCCAGCAGGGTCAGCTGGCGGACAGCGTTGACGAC-3'
Protein context (NP_004360.2, residues 1101-1121): LGGPTPNTGA[Ala1111Thr]LEFVLRNILV

ClinVar aggregate classification (germline): Conflicting classifications of pathogenicity. Review status: criteria provided, conflicting classifications (1 of 4 stars). 7 submissions from 7 submitters: Uncertain significance (6); Likely benign (1). Last evaluated 2026-03-09.

Conditions:
COL6A3-related disorder. Also called: COL6A3-related condition; COL6A3-related disorders.
Bethlem myopathy 1A. Also called: MYOPATHY, BENIGN CONGENITAL, WITH CONTRACTURES; Bethlem myopathy 1; Bethlem Muscular Dystrophy. Identifiers: Orphanet 610, MedGen CN029274, MONDO:0024530, OMIM 158810.
Inborn genetic diseases. Identifiers: MedGen C0950123, MeSH D030342.

Allele frequency attached by ClinVar (database versions not stated): TOPMed 0.00016; 1000 Genomes Project 0.00020; ESP Exome Variant Server 0.00023; 1000 Genomes Project 30x 0.00031; gnomAD exomes 0.00005 and 0.00007; ExAC 0.00007; gnomAD 0.00016.

Submissions (7):

PreventionGenetics, part of Exact Sciences
Classification: Uncertain significance for COL6A3-related condition. Last evaluated: 2026-03-09. Review status: criteria provided, single submitter. Criteria: ACMG Guidelines, 2015. Collection method: clinical testing. Allele origin: germline.
Comment: The COL6A3 c.3331G>A variant is predicted to result in the amino acid substitution p.Ala1111Thr. This variant was reported in an individual with a myopathy phenotype who was apparently compound heterozygous for a second variant in COL6A3 (Case ID: FE16017081, Supplemental Table 3, Molina-Ramírez et al. 2022. PubMed ID: 33879512). This variant is reported in 0.044% of alleles in individuals of African descent in gnomAD. At this time, the clinical significance of this variant is uncertain due to the absence of conclusive functional and genetic evidence.

Labcorp Genetics (formerly Invitae), Labcorp
Classification: Likely benign for Bethlem myopathy 1A. Last evaluated: 2025-07-08. Review status: criteria provided, single submitter. Criteria: Invitae Variant Classification Sherloc (09022015). Collection method: clinical testing. Allele origin: germline.

Blueprint Genetics
Classification: Uncertain significance. Last evaluated: 2023-03-15. Review status: criteria provided, single submitter. Criteria: ACMG Guidelines, 2015. Collection method: clinical testing. Allele origin: germline.

Ambry Genetics
Classification: Uncertain significance for Inborn genetic diseases. Last evaluated: 2021-11-10. Review status: criteria provided, single submitter. Criteria: Ambry Variant Classification Scheme 2023. Collection method: clinical testing. Allele origin: germline.

Revvity Omics, Revvity
Classification: Uncertain significance. Last evaluated: 2020-03-27. Review status: criteria provided, single submitter. Criteria: ACMG Guidelines, 2015. Collection method: clinical testing. Allele origin: germline.

GeneDx
Classification: Uncertain significance. Last evaluated: 2017-09-07. Review status: criteria provided, single submitter. Criteria: GeneDx Variant Classification (06012015). Collection method: clinical testing. Allele origin: germline. Affected: yes.
Comment: The A1111T variant in the COL6A3 gene has not been reported previously as a pathogenic variant, nor as a benign variant, to our knowledge. The A1111T variant is observed in 6/10344 (0.06%) alleles from individuals of African background in the ExAC dataset (Lek et al., 2016). The A1111T variant is a non-conservative amino acid substitution, which is likely to impact secondary protein structure as these residues differ in polarity, charge, size and/or other properties. This substitution occurs at a position where amino acids with similar properties to Alanine are tolerated across species. In silico analysis predicts this variant is probably damaging to the protein structure/function. We interpret A1111T as a variant of uncertain significance.

Eurofins Ntd Llc (ga)
Classification: Uncertain significance. Last evaluated: 2016-02-16. Review status: criteria provided, single submitter. Criteria: EGL Classification Definitions 2015. Collection method: clinical testing. Allele origin: germline. Observed: 1 variant allele, 1 heterozygote.